The following is an entry in ClinVar:

ClinVar aggregate classification (germline): Uncertain significance (1 of 4 stars; one submission).

Conditions:
Limb-girdle muscular dystrophy due to POMK deficiency. Also called: Muscular dystrophy-dystroglycanopathy (limb-girdle), type c, 12; MUSCULAR DYSTROPHY-DYSTROGLYCANOPATHY, LIMB-GIRDLE, POMK-RELATED. Identifiers: Orphanet 445110, MedGen C4015184, MONDO:0014489, OMIM 616094.
Muscular dystrophy-dystroglycanopathy (congenital with brain and eye anomalies), type a, 12 (MDDGA12). Also called: WALKER-WARBURG SYNDROME OR MUSCLE-EYE-BRAIN DISEASE, POMK-RELATED. Identifiers: Orphanet 899, MedGen C3808964, MONDO:0014101, OMIM 615249.

Allele frequency attached by ClinVar (database versions not stated): gnomAD exomes below 0.00001; ExAC 0.00002.
gnomAD v4.1: 2 of 1,614,204 alleles (0.00012%); highest among the groups gnomAD compares: Non-Finnish European, 0.00017%; no homozygotes.

Submission:

Labcorp Genetics (formerly Invitae), Labcorp
Classification: Uncertain significance for Muscular dystrophy-dystroglycanopathy (congenital with brain and eye anomalies), type a, 12; Limb-girdle muscular dystrophy due to POMK deficiency. Last evaluated: 2022-03-15. Review status: criteria provided, single submitter. Criteria: Invitae Variant Classification Sherloc (09022015). Collection method: clinical testing. Allele origin: germline.
Comment: This variant has not been reported in the literature in individuals affected with POMK-related conditions. Algorithms developed to predict the effect of missense changes on protein structure and function output the following: SIFT: "Tolerated"; PolyPhen-2: "Benign"; Align-GVGD: "Class C0". The serine amino acid residue is found in multiple mammalian species, which suggests that this missense change does not adversely affect protein function. In summary, the available evidence is currently insufficient to determine the role of this variant in disease. Therefore, it has been classified as a Variant of Uncertain Significance. This sequence change replaces threonine, which is neutral and polar, with serine, which is neutral and polar, at codon 146 of the POMK protein (p.Thr146Ser). This variant is present in population databases (rs776884318, gnomAD 0.004%).

NM_032237.5(POMK):c.437C>G (p.Thr146Ser)

Gene: POMK (protein O-mannose kinase; plus strand). Cytogenetic location: 8p11.21.
Variant type: single nucleotide variant.
Coding change: c.437C>G on transcript NM_032237.5 (MANE Select); coding-DNA position 437, C replaced by G.
Protein change: p.Thr146Ser; replaces threonine 146 with serine.
Molecular consequence: missense variant.
Genome position (GRCh38, 1-based): chr8:43,122,261, C>G. VCF-style: chr8-43122261-C-G. GRCh37 (hg19) VCF-style: chr8-42977404-C-G.
Other names: c.437C>G, p.Thr146Ser (NM_001277971.2); short protein forms T146S.
Identifiers: ClinVar variation 1958313 (VCV001958313.5), dbSNP rs776884318, ClinGen allele CA4736285.